The following is an entry in ClinVar:

ClinVar aggregate classification (germline): Conflicting classifications of pathogenicity. Review status: criteria provided, conflicting classifications (1 of 4 stars). 2 submissions from 2 submitters: Likely pathogenic (1); Uncertain significance (1). Last evaluated 2026-07-29.

Conditions:
Hereditary cancer-predisposing syndrome. Also called: Tumor predisposition; Neoplastic Syndromes, Hereditary; Hereditary Cancer Syndrome; Hereditary neoplastic syndrome. Identifiers: Orphanet 140162, MedGen C0027672, MeSH D009386, MONDO:0015356.
Familial adenomatous polyposis 2. Also called: MYH-associated polyposis; Adenomas, multiple colorectal; MUTYH-associated polyposis; MUTYH Polyposis; COLORECTAL ADENOMATOUS POLYPOSIS, AUTOSOMAL RECESSIVE; ADENOMAS, MULTIPLE COLORECTAL, AUTOSOMAL RECESSIVE. Identifiers: Orphanet 220460, Orphanet 247798, MedGen C3272841, MONDO:0012041, OMIM 608456.

Submissions (2):

Myriad Genetics, Inc.
Classification: Likely pathogenic for Familial adenomatous polyposis 2. Last evaluated: 2026-07-29. Review status: criteria provided, single submitter. Criteria: Myriad Autosomal Dominant, Autosomal Recessive and X-Linked Classification Criteria (2023). Collection method: clinical testing. Allele origin: unknown.
Comment: This variant is considered likely pathogenic. This variant has been reported in multiple individuals with clinical features of gene-specific disease [PMID: 16941501, 18172263; Myriad internal data]. This variant is expected to disrupt protein structure [Myriad internal data]. Functional studies indicate this variant impacts protein function [PMID: 40738107].

Ambry Genetics
Classification: Uncertain significance for Hereditary cancer-predisposing syndrome. Last evaluated: 2016-09-22. Review status: criteria provided, single submitter. Criteria: Ambry Autosomal Dominant and X-Linked criteria (10/2015). Collection method: clinical testing. Allele origin: germline. Observed: 1 variant allele.
Comment: The c.846_856delCATGGAGCTAGinsTA variant (also known as p.M283_G286delinsR), located in coding exon 10 of the MUTYH gene, results from an in-frame deletion of CATGGAGCTAG and insertion of TA at nucleotide positions 846 to 856. This results in the deletion of methionine, glutamic acid, leucine, and glycine residues and insertion of an arginine residue between codons 283 and 286. This variant was not reported in population based cohorts in the following databases: Database of Single Nucleotide Polymorphisms (dbSNP), NHLBI Exome Sequencing Project (ESP), and 1000 Genomes Project. In the ESP, this variant was not observed in 6503 samples (13006 alleles) with coverage at this position. These amino acid positions are well conserved in available vertebrate species. Since supporting evidence is limited at this time, the clinical significance of this alteration remains unclear.

Literature cited by the submitters: PubMed 16941501 (cited by Myriad Genetics, Inc.); PubMed 18172263 (cited by Myriad Genetics, Inc.); PubMed 40738107 (cited by Myriad Genetics, Inc.).

NM_001048174.2(MUTYH):c.762_772delinsTA (p.Met255_Gly258delinsArg)

Gene: MUTYH (mutY DNA glycosylase; minus strand). Cytogenetic location: 1p34.1.
Variant type: Indel.
Coding change: c.762_772delinsTA on transcript NM_001048174.2 (MANE Select); coding-DNA positions 762 to 772, CATGGAGCTAG replaced by TA.
Protein change: p.Met255_Gly258delinsArg.
Molecular consequence: inframe indel. On other transcripts: non-coding transcript variant (2).
Genome position (GRCh38, 1-based): chr1:45,332,243-45,332,253, CTAGCTCCATG replaced by TA on the plus strand (CATGGAGCTAG replaced by TA on the coding strand, the reverse complement: MUTYH is on the minus strand). VCF-style: chr1-45332243-CTAGCTCCATG-TA. GRCh37 (hg19) VCF-style: chr1-45797915-CTAGCTCCATG-TA.
Other names: c.762_772delinsTA, p.Met255_Gly258delinsArg (NM_001048171.2, NM_001048173.2, NM_001293195.2); c.765_775delinsTA, p.Met256_Gly259delinsArg (NM_001048172.2); c.846_856delinsTA, p.Met283_Gly286delinsArg (NM_001128425.2); c.807_817delinsTA, p.Met270_Gly273delinsArg (NM_001293190.2); c.795_805delinsTA, p.Met266_Gly269delinsArg (NM_001293191.2); c.486_496delinsTA, p.Met163_Gly166delinsArg (NM_001293192.2, NM_001293196.2); c.417_427delinsTA, p.Met140_Gly143delinsArg (NM_001350650.2, NM_001350651.2); c.837_847delinsTA, p.Met280_Gly283delinsArg (NM_012222.3); and 1 more.
Identifiers: ClinVar variation 480004 (VCV000480004.4), dbSNP rs1553127709, ClinGen allele CA658656924.